The following is an entry in ClinVar:

ClinVar aggregate classification (germline): Uncertain significance. Review status: criteria provided, multiple submitters, no conflicts (2 of 4 stars). 3 submissions from 3 submitters: Uncertain significance (2). 1 of the submissions does not count toward it. Last evaluated 2023-02-09.

Conditions:
PCNT-related disorder. Also called: PCNT-related condition.

Allele frequency attached by ClinVar (database versions not stated): 1000 Genomes Project 30x 0.00078; 1000 Genomes Project 0.00100; ESP Exome Variant Server 0.00031.
gnomAD v4.1: 97 of 1,612,992 alleles (0.006%); highest among the groups gnomAD compares: African/African-American, 0.083%; no homozygotes.

Submissions (3):

GeneDx
Classification: Uncertain significance. Last evaluated: 2023-02-09. Review status: criteria provided, single submitter. Criteria: GeneDx Variant Classification Process June 2021. Collection method: clinical testing. Allele origin: germline. Affected: yes.
Comment: In silico analysis supports that this missense variant has a deleterious effect on protein structure/function; Has not been previously published as pathogenic or benign to our knowledge

Labcorp Genetics (formerly Invitae), Labcorp
Classification: Uncertain significance. Last evaluated: 2022-05-19. Review status: criteria provided, single submitter. Criteria: Invitae Variant Classification Sherloc (09022015). Collection method: clinical testing. Allele origin: germline.
Comment: This sequence change replaces arginine, which is basic and polar, with tryptophan, which is neutral and slightly polar, at codon 1855 of the PCNT protein (p.Arg1855Trp). This variant is present in population databases (rs151138182, gnomAD 0.1%). This variant has not been reported in the literature in individuals affected with PCNT-related conditions. Algorithms developed to predict the effect of missense changes on protein structure and function are either unavailable or do not agree on the potential impact of this missense change (SIFT: "Deleterious"; PolyPhen-2: "Possibly Damaging"; Align-GVGD: "Class C0"). In summary, the available evidence is currently insufficient to determine the role of this variant in disease. Therefore, it has been classified as a Variant of Uncertain Significance.

PreventionGenetics, part of Exact Sciences
Classification: Likely benign for PCNT-related condition. Last evaluated: 2024-01-02. Review status: no assertion criteria provided. Collection method: clinical testing. Allele origin: germline. Not counted in ClinVar's aggregate classification.
Comment: This variant is classified as likely benign based on ACMG/AMP sequence variant interpretation guidelines (Richards et al. 2015 PMID: 25741868, with internal and published modifications).

NM_006031.6(PCNT):c.5563C>T (p.Arg1855Trp)

Gene: PCNT (pericentrin; plus strand). Cytogenetic location: 21q22.3.
Variant type: single nucleotide variant.
Coding change: c.5563C>T on transcript NM_006031.6 (MANE Select); coding-DNA position 5563, C replaced by T.
Protein change: p.Arg1855Trp; replaces arginine 1855 with tryptophan.
Molecular consequence: missense variant.
Genome position (GRCh38, 1-based): chr21:46,411,636, C>T. VCF-style: chr21-46411636-C-T. GRCh37 (hg19) VCF-style: chr21-47831550-C-T.
Other names: c.5209C>T, p.Arg1737Trp (NM_001315529.2); c.5563C>T (NM_006031.5); short protein forms R1737W, R1855W.
Identifiers: ClinVar variation 1392348 (VCV001392348.5), dbSNP rs151138182, ClinGen allele CA10080027.
Genomic context (GRCh38, chr21:46,411,636, plus strand): 5'-CTGGCTGAGCTGGAGCGCAATGTAGCCCTCAGGGAGGCTGAGGTCGAAGACATGGCCTCC[C>T]GGATCCAGGAGTTCGAAGCGGCCCTGAAAGCAAAGGAAGCGACGATTGCCGAGAGAAATT-3'
Protein context (NP_006022.3, residues 1845-1865): REAEVEDMAS[Arg1855Trp]IQEFEAALKA